The following is an entry in ClinVar:

NM_005535.3(IL12RB1):c.1716-6C>T

Gene: IL12RB1 (interleukin 12 receptor subunit beta 1; minus strand). Cytogenetic location: 19p13.11.
Variant type: single nucleotide variant.
Coding change: c.1716-6C>T on transcript NM_005535.3 (MANE Select); 6 bases into the intron before coding-DNA position 1716, C replaced by T.
Molecular consequence: intron variant.
Genome position (GRCh38, 1-based): chr19:18,061,203, G>A on the plus strand (C>T on the coding strand, the complement: IL12RB1 is on the minus strand). VCF-style: chr19-18061203-G-A. GRCh37 (hg19) VCF-style: chr19-18172013-G-A.
Other names: c.1836-6C>T (NM_001290024.2); c.1716-6C>T (NM_001290023.2); c.1737-6C>T (NM_001440425.1, NM_001440424.1).
Identifiers: ClinVar variation 2649560 (VCV002649560.24), dbSNP rs2514869117, ClinGen allele CA2583508501.

ClinVar aggregate classification (germline): Uncertain significance (1 of 4 stars; one submission).

gnomAD v4.1: 1 of 1,525,668 alleles (0.000066%); highest among the groups gnomAD compares: South Asian, 0.0012%; no homozygotes.

Submission:

CeGaT Center for Human Genetics Tuebingen
Classification: Uncertain significance. Last evaluated: 2023-07-01. Review status: criteria provided, single submitter. Criteria: CeGaT Center For Human Genetics Tuebingen Variant Classification Criteria Version 2. Collection method: clinical testing. Allele origin: germline. Affected: yes. Observed: 1 variant allele.
Comment: IL12RB1: PM2, BP4